The following is an entry in ClinVar:

NM_001369.3(DNAH5):c.11312C>T (p.Thr3771Ile)

Genes: DNAH5 (dynein axonemal heavy chain 5; minus strand), LOC107457585 (meiotic recombination hotspot J; plus strand). Cytogenetic location: 5p15.2.
Variant type: single nucleotide variant.
Coding change: c.11312C>T on transcript NM_001369.3 (MANE Select); coding-DNA position 11312, C replaced by T.
Protein change: p.Thr3771Ile; replaces threonine 3771 with isoleucine.
Molecular consequence: missense variant.
Genome position (GRCh38, 1-based): chr5:13,737,395, G>A on the plus strand (C>T on the coding strand, the complement: DNAH5 is on the minus strand). VCF-style: chr5-13737395-G-A. GRCh37 (hg19) VCF-style: chr5-13737504-G-A.
Other names: short protein forms T3771I.
Identifiers: ClinVar variation 863959 (VCV000863959.7), dbSNP rs545183484, ClinGen allele CA3202003.
Genomic context (GRCh38, chr5:13,737,395, plus strand): 5'-GTCCTTTTTGTGTTACTCAGCACGACAATGAGACTTTCATCTTCTACCAGGGACCCCTGG[G>A]TACTTGTCAGGCGGTAAAGCAAGTTATCTTCTAGTTCCTTCATCCTTCTTTTGTTTGCAG-3'
Protein context (NP_001360.1, residues 3761-3781): EDNLLYRLTS[Thr3771Ile]QGSLVEDESL

ClinVar aggregate classification (germline): Uncertain significance. Review status: criteria provided, single submitter (1 of 4 stars). 2 submissions from 2 submitters: Uncertain significance (1). 1 of the submissions does not count toward it. Last evaluated 2021-08-25.

Conditions:
Primary ciliary dyskinesia. Also called: Ciliary dyskinesia. Identifiers: Orphanet 244, MedGen C0008780, MONDO:0016575, HP:0012265.

Allele frequency attached by ClinVar (database versions not stated): gnomAD 0.00003 and 0.00002; 1000 Genomes Project 0.00020; 1000 Genomes Project 30x 0.00031; TOPMed 0.00001.
gnomAD v4.1: 37 of 1,614,118 alleles (0.0023%); highest among the groups gnomAD compares: East Asian, 0.0089%; no homozygotes.

Submissions (2):

Labcorp Genetics (formerly Invitae), Labcorp
Classification: Uncertain significance for Primary ciliary dyskinesia. Last evaluated: 2021-08-25. Review status: criteria provided, single submitter. Criteria: Invitae Variant Classification Sherloc (09022015). Collection method: clinical testing. Allele origin: germline.
Comment: This sequence change replaces threonine with isoleucine at codon 3771 of the DNAH5 protein (p.Thr3771Ile). The threonine residue is highly conserved and there is a moderate physicochemical difference between threonine and isoleucine. This variant is present in population databases (rs545183484, ExAC 0.009%). This variant has not been reported in the literature in individuals affected with DNAH5-related conditions. Algorithms developed to predict the effect of missense changes on protein structure and function are either unavailable or do not agree on the potential impact of this missense change (SIFT: "Deleterious"; PolyPhen-2: "Possibly Damaging"; Align-GVGD: "Class C15"). In summary, the available evidence is currently insufficient to determine the role of this variant in disease. Therefore, it has been classified as a Variant of Uncertain Significance.

Natera, Inc.
Classification: Uncertain significance for Primary ciliary dyskinesia. Last evaluated: 2020-03-10. Review status: no assertion criteria provided. Collection method: clinical testing. Allele origin: germline. Not counted in ClinVar's aggregate classification.